The following is an entry in ClinVar:

ClinVar aggregate classification (germline): Pathogenic. Review status: criteria provided, multiple submitters, no conflicts (2 of 4 stars). 2 submissions from 2 submitters: Pathogenic (2). Last evaluated 2025-12-22.

Conditions:
Primary hyperoxaluria, type I (HP1). Also called: Primary hyperoxaluria type 1; GLYCOLIC ACIDURIA; HEPATIC AGT DEFICIENCY; OXALOSIS I. Identifiers: Orphanet 416, Orphanet 93598, MedGen C0268164, MONDO:0009823, OMIM 259900. Disease mechanism: loss of function.

Submissions (2):

3billion
Classification: Pathogenic for Primary hyperoxaluria, type I. Last evaluated: 2025-12-22. Review status: criteria provided, single submitter. Criteria: ACMG Guidelines, 2015. Collection method: clinical testing. Allele origin: germline. Affected: yes.
Comment: The variant is not observed in the gnomAD v4.1.0 dataset. Predicted Consequence/Location: Canonical splice site: predicted to alter splicing and result in a loss or disruption of normal protein function. Multiple pathogenic loss-of-function variants are reported downstream of the variant. In silico tools predict the variant to alter splicing and produce an abnormal transcript [SpliceAI: 0.99 (spliceogenicity >=0.2, non-spliceogenicity <0.1)]. The variant has been reported to be associated with AGXT-related disorder (ClinVar ID: VCV004526813 /PMID: 15961946 /3billion dataset). Therefore, this variant is classified as Pathogenic according to the recommendation of ACMG/AMP guideline.

Rare Kidney Stone Consortium and the Mayo Clinic Hyperoxaluria Center, Mayo Clinic
Classification: Pathogenic for Primary hyperoxaluria, type I. Last evaluated: 2025-10-03. Review status: criteria provided, single submitter. Criteria: ACMG Guidelines, 2015. Collection method: research. Allele origin: germline. Affected: yes. Observed: 2 variant alleles.
Comment: ACMG:PVS1, PM2

Literature cited by the submitters: PubMed 15961946 (cited by 3billion and Rare Kidney Stone Consortium and the Mayo Clinic Hyperoxaluria Center, Mayo Clinic); PubMed 25525159 (cited by Rare Kidney Stone Consortium and the Mayo Clinic Hyperoxaluria Center, Mayo Clinic); PubMed 40794449 (cited by Rare Kidney Stone Consortium and the Mayo Clinic Hyperoxaluria Center, Mayo Clinic).

NM_000030.3(AGXT):c.358+1G>A

Gene: AGXT (alanine--glyoxylate aminotransferase; plus strand). Cytogenetic location: 2q37.3.
Variant type: single nucleotide variant.
Coding change: c.358+1G>A on transcript NM_000030.3 (MANE Select); the canonical splice donor site of the intron after coding-DNA position 358, G replaced by A.
Molecular consequence: splice donor variant.
Genome position (GRCh38, 1-based): chr2:240,869,363, G>A. VCF-style: chr2-240869363-G-A. GRCh37 (hg19) VCF-style: chr2-241808780-G-A.
Identifiers: ClinVar variation 4526813 (VCV004526813.2).